The following is an entry in ClinVar:

ClinVar aggregate classification (germline): Uncertain significance. Review status: criteria provided, multiple submitters, no conflicts (2 of 4 stars). 2 submissions from 2 submitters: Uncertain significance (2). Last evaluated 2024-12-16.

Allele frequency attached by ClinVar (database versions not stated): ExAC 0.00002; TOPMed 0.00004; gnomAD 0.00005; ESP Exome Variant Server 0.00008.
gnomAD v4.1: 211 of 1,614,012 alleles (0.013%); highest among the groups gnomAD compares: Non-Finnish European, 0.017%; no homozygotes.

Submissions (2):

Ambry Genetics
Classification: Uncertain significance. Last evaluated: 2024-12-16. Review status: criteria provided, single submitter. Criteria: Ambry Variant Classification Scheme 2023. Collection method: clinical testing. Allele origin: germline.

Labcorp Genetics (formerly Invitae), Labcorp
Classification: Uncertain significance. Last evaluated: 2024-02-11. Review status: criteria provided, single submitter. Criteria: Invitae Variant Classification Sherloc (09022015). Collection method: clinical testing. Allele origin: germline.
Comment: This sequence change replaces cysteine, which is neutral and slightly polar, with arginine, which is basic and polar, at codon 329 of the DHX32 protein (p.Cys329Arg). This variant is present in population databases (rs373997599, gnomAD 0.006%). This variant has not been reported in the literature in individuals affected with DHX32-related conditions. ClinVar contains an entry for this variant (Variation ID: 2067790). An algorithm developed to predict the effect of missense changes on protein structure and function (PolyPhen-2) suggests that this variant is likely to be tolerated. In summary, the available evidence is currently insufficient to determine the role of this variant in disease. Therefore, it has been classified as a Variant of Uncertain Significance.

NM_018180.3(DHX32):c.985T>C (p.Cys329Arg)

Gene: DHX32 (DEAH-box helicase 32 (putative); minus strand). Cytogenetic location: 10q26.2.
Variant type: single nucleotide variant.
Coding change: c.985T>C on transcript NM_018180.3 (MANE Select); coding-DNA position 985, T replaced by C.
Protein change: p.Cys329Arg; replaces cysteine 329 with arginine.
Molecular consequence: missense variant.
Genome position (GRCh38, 1-based): chr10:125,854,068, A>G on the plus strand (T>C on the coding strand, the complement: DHX32 is on the minus strand). VCF-style: chr10-125854068-A-G. GRCh37 (hg19) VCF-style: chr10-127542637-A-G.
Other names: c.985T>C (NM_018180.2); short protein forms C329R.
Identifiers: ClinVar variation 2067790 (VCV002067790.5), dbSNP rs373997599, ClinGen allele CA5739339.